The following is an entry in ClinVar:

ClinVar aggregate classification (germline): Conflicting classifications of pathogenicity. Review status: criteria provided, conflicting classifications (1 of 4 stars). 2 submissions from 2 submitters: Uncertain significance (1); Likely benign (1). Last evaluated 2025-10-21.

Allele frequency attached by ClinVar (database versions not stated): gnomAD exomes 0.00001; gnomAD 0.00001.
gnomAD v4.1: 13 of 1,612,868 alleles (0.00081%); highest among the groups gnomAD compares: Admixed American, 0.0017%; no homozygotes.

Submissions (2):

Labcorp Genetics (formerly Invitae), Labcorp
Classification: Likely benign. Last evaluated: 2025-10-21. Review status: criteria provided, single submitter. Criteria: Invitae Variant Classification Sherloc (09022015). Collection method: clinical testing. Allele origin: germline.

GeneDx
Classification: Uncertain significance. Last evaluated: 2022-08-17. Review status: criteria provided, single submitter. Criteria: GeneDx Variant Classification Process June 2021. Collection method: clinical testing. Allele origin: germline. Affected: yes.
Comment: Not observed at significant frequency in large population cohorts (gnomAD); In silico analysis supports that this missense variant has a deleterious effect on protein structure/function; Has not been previously published as pathogenic or benign to our knowledge

NM_080680.3(COL11A2):c.3749C>T (p.Pro1250Leu)

Gene: COL11A2 (collagen type XI alpha 2 chain; minus strand). Cytogenetic location: 6p21.32.
Variant type: single nucleotide variant.
Coding change: c.3749C>T on transcript NM_080680.3 (MANE Select); coding-DNA position 3749, C replaced by T.
Protein change: p.Pro1250Leu; replaces proline 1250 with leucine.
Molecular consequence: missense variant.
Genome position (GRCh38, 1-based): chr6:33,169,432, G>A on the plus strand (C>T on the coding strand, the complement: COL11A2 is on the minus strand). VCF-style: chr6-33169432-G-A. GRCh37 (hg19) VCF-style: chr6-33137209-G-A.
Other names: c.3491C>T, p.Pro1164Leu (NM_080681.3); c.3428C>T, p.Pro1143Leu (NM_080679.3); short protein forms P1143L, P1164L, P1250L.
Identifiers: ClinVar variation 2430968 (VCV002430968.4), dbSNP rs1293342751, ClinGen allele CA363627719.